The following is an entry in ClinVar:

NM_000088.4(COL1A1):c.4168C>T (p.Leu1390Phe)

Gene: COL1A1 (collagen type I alpha 1 chain; minus strand). Cytogenetic location: 17q21.33.
Variant type: single nucleotide variant.
Coding change: c.4168C>T on transcript NM_000088.4 (MANE Select); coding-DNA position 4168, C replaced by T.
Protein change: p.Leu1390Phe; replaces leucine 1390 with phenylalanine.
Molecular consequence: missense variant.
Genome position (GRCh38, 1-based): chr17:50,185,858, G>A on the plus strand (C>T on the coding strand, the complement: COL1A1 is on the minus strand). VCF-style: chr17-50185858-G-A. GRCh37 (hg19) VCF-style: chr17-48263219-G-A.
Other names: p.Leu1390Phe; short protein forms L1390F.
Identifiers: ClinVar variation 662240 (VCV000662240.19), dbSNP rs768808806, ClinGen allele CA8644249.
Genomic context (GRCh38, chr17:50,185,858, plus strand): 5'-CGCTGTAGGTGAAGCGGCTGTTGCCCTCGGCGCGGATCTCGATCTCGTTGGAGCCCTGGA[G>A]GAGCAGGGCCTTCTTGAGGTTGCCAGTCTGCTGGTCCATGTAGGCCACGCTGTTCTTGCA-3'
Protein context (NP_000079.2, residues 1380-1400): QTGNLKKALL[Leu1390Phe]QGSNEIEIRA

ClinVar aggregate classification (germline): Conflicting classifications of pathogenicity. Review status: criteria provided, conflicting classifications (1 of 4 stars). 9 submissions from 9 submitters: Uncertain significance (5); Likely benign (3). 1 of the submissions does not count toward it. Last evaluated 2025-10-02.

Conditions:
Cardiovascular phenotype. Identifiers: MedGen CN230736.
Osteogenesis imperfecta type I (OI1). Also called: OI, TYPE I; OSTEOGENESIS IMPERFECTA TARDA; OSTEOGENESIS IMPERFECTA WITH BLUE SCLERAE; Osteogenesis imperfecta type 1; Lobstein disease; Lobstein's Disease. Identifiers: Orphanet 216796, Orphanet 666, MedGen C0023931, MONDO:0008146, OMIM 166200. Disease mechanism: loss of function.
COL1A1-related disorder. Also called: COL1A1- related disease; COL1A1-related condition.

Allele frequency attached by ClinVar (database versions not stated): ExAC 0.00002; gnomAD exomes 0.00002 and 0.00007; gnomAD 0.00004; TOPMed 0.00005.
gnomAD v4.1: 101 of 1,614,052 alleles (0.0063%); highest among the groups gnomAD compares: Non-Finnish European, 0.0082%; no homozygotes.

Submissions (9):

Labcorp Genetics (formerly Invitae), Labcorp
Classification: Likely benign for Osteogenesis imperfecta type I. Last evaluated: 2025-10-02. Review status: criteria provided, single submitter. Criteria: Invitae Variant Classification Sherloc (09022015). Collection method: clinical testing. Allele origin: germline.

Ambry Genetics
Classification: Likely benign for Cardiovascular phenotype. Last evaluated: 2025-07-29. Review status: criteria provided, single submitter. Criteria: Ambry Variant Classification Scheme 2023. Collection method: clinical testing. Allele origin: germline.

Women's Health and Genetics/Laboratory Corporation of America, LabCorp
Classification: Likely benign. Last evaluated: 2025-07-02. Review status: criteria provided, single submitter. Criteria: LabCorp Variant Classification Summary - May 2015. Collection method: clinical testing. Allele origin: germline.
Comment: Variant summary: COL1A1 c.4168C>T (p.Leu1390Phe) results in a non-conservative amino acid change in the encoded protein sequence. Algorithms developed to predict the effect of missense changes on protein structure and function all suggest that this variant is likely to be disruptive. The variant allele was found at a frequency of 6.3e-05 in 1614052 control chromosomes (gnomAD v4). The observed variant frequency is approximately 2.086 fold of the estimated maximal expected allele frequency for a pathogenic variant in COL1A1 causing Osteogenesis imperfecta type I phenotype (3e-05). To our knowledge, no occurrence of c.4168C>T in individuals affected with Osteogenesis imperfecta type I and no experimental evidence demonstrating its impact on protein function have been reported. ClinVar contains an entry for this variant (Variation ID: 662240). Based on the evidence outlined above, the variant was classified as likely benign.

GeneDx
Classification: Uncertain significance. Last evaluated: 2025-06-30. Review status: criteria provided, single submitter. Criteria: GeneDx Variant Classification Process June 2021. Collection method: clinical testing. Allele origin: germline. Affected: yes.
Comment: Has not been previously published as pathogenic or benign to our knowledge; In silico analysis supports that this missense variant has a deleterious effect on protein structure/function; Not located in the triple helical region, where the majority of pathogenic missense variants occur (HGMD)

Revvity Omics, Revvity
Classification: Uncertain significance. Last evaluated: 2024-11-07. Review status: criteria provided, single submitter. Criteria: ACMG Guidelines, 2015. Collection method: clinical testing. Allele origin: germline.

ARUP Laboratories, Molecular Genetics and Genomics, ARUP Laboratories
Classification: Uncertain significance. Last evaluated: 2024-05-25. Review status: criteria provided, single submitter. Criteria: ARUP Molecular Germline Variant Investigation Process 2024. Collection method: clinical testing. Allele origin: germline.
Comment: The COL1A1 c.4168C>T; p.Leu1390Phe variant (rs768808806), to our knowledge, is not reported in the medical literature but is reported in ClinVar (Variation ID: 662240). This variant is found in the general population with an overall allele frequency of 0.003% (8/282,640 alleles) in the Genome Aggregation Database (v2.1.1). Computational analyses predict that this variant is deleterious (REVEL: 0.739). However, given the lack of clinical and functional data, the significance of this variant is uncertain at this time.

Mayo Clinic Laboratories, Mayo Clinic
Classification: Uncertain significance. Last evaluated: 2023-10-17. Review status: criteria provided, single submitter. Criteria: ACMG Guidelines, 2015. Collection method: clinical testing. Allele origin: germline. Observed: 1 variant allele.

Athena Diagnostics
Classification: Uncertain significance. Last evaluated: 2023-05-23. Review status: criteria provided, single submitter. Criteria: Athena Diagnostics Criteria. Collection method: clinical testing. Allele origin: unknown.
Comment: Available data are insufficient to determine the clinical significance of the variant at this time. The frequency of this variant in the general population is uninformative in assessment of its pathogenicity. Computational tools predict that this variant is damaging.

PreventionGenetics, part of Exact Sciences
Classification: Uncertain significance for COL1A1-related condition. Last evaluated: 2024-02-28. Review status: no assertion criteria provided. Collection method: clinical testing. Allele origin: germline. Not counted in ClinVar's aggregate classification.
Comment: The COL1A1 c.4168C>T variant is predicted to result in the amino acid substitution p.Leu1390Phe. To our knowledge, this variant has not been reported in the literature. This variant is reported in 0.0054% of alleles in individuals of European (Non-Finnish) descent in gnomAD. At this time, the clinical significance of this variant is uncertain due to the absence of conclusive functional and genetic evidence.